The following is an entry in ClinVar:

ClinVar aggregate classification (germline): Uncertain significance (1 of 4 stars; one submission).

Conditions:
Developmental and epileptic encephalopathy, 5 (DEE5). Identifiers: Orphanet 3451, MedGen C3150731, MONDO:0013277, OMIM 613477.

gnomAD v4.1: 5 of 1,614,158 alleles (0.00031%); highest among the groups gnomAD compares: African/African-American, 0.0013%; no homozygotes.

Submission:

Neuberg Centre For Genomic Medicine, NCGM
Classification: Uncertain significance for Developmental and epileptic encephalopathy, 5. Last evaluated: 2023-06-22. Review status: criteria provided, single submitter. Criteria: ACMG Guidelines, 2015. Collection method: clinical testing. Allele origin: germline. Inheritance: Autosomal dominant inheritance. Affected: yes.
Comment: The observed splice region c.2012-3T>C variant in SPTAN1 gene has not been reported previously as a pathogenic variant nor as a benign variant, to our knowledge. This variant is absent in gnomAD Exomes. This splice region variant in intron 15 affects the position three nucleotides upstream of exon 16. The spliceAI tool predicts that this splice site variant is benign. For these reasons, this variant has been classified as Uncertain Significance.

NM_001130438.3(SPTAN1):c.2012-3T>C

Gene: SPTAN1 (spectrin alpha, non-erythrocytic 1; plus strand). Cytogenetic location: 9q34.11.
Variant type: single nucleotide variant.
Coding change: c.2012-3T>C on transcript NM_001130438.3 (MANE Select); 3 bases into the intron before coding-DNA position 2012, T replaced by C.
Molecular consequence: intron variant.
Genome position (GRCh38, 1-based): chr9:128,583,785, T>C. VCF-style: chr9-128583785-T-C. GRCh37 (hg19) VCF-style: chr9-131346064-T-C.
Other names: c.2048-3T>C (NM_001375318.1, NM_001375312.2); c.2012-3T>C (NM_001375311.2, NM_001375314.2, NM_001375310.1 and 5 more transcripts).
Identifiers: ClinVar variation 3731473 (VCV003731473.1).